The following is an entry in ClinVar:

NM_001267550.2(TTN):c.94856G>A (p.Arg31619Gln)

Genes: TTN (titin; minus strand), TTN-AS1 (TTN antisense RNA 1; plus strand). Cytogenetic location: 2q31.2.
Variant type: single nucleotide variant.
Coding change: c.94856G>A on transcript NM_001267550.2 (MANE Select); coding-DNA position 94856, G replaced by A.
Protein change: p.Arg31619Gln; replaces arginine 31619 with glutamine.
Molecular consequence: missense variant.
Genome position (GRCh38, 1-based): chr2:178,546,475, C>T on the plus strand (G>A on the coding strand, the complement: TTN is on the minus strand). VCF-style: chr2-178546475-C-T. GRCh37 (hg19) VCF-style: chr2-179411202-C-T.
Other names: p.R29978Q:CGA>CAA; c.89933G>A, p.Arg29978Gln (NM_001256850.1); c.67661G>A, p.Arg22554Gln (NM_003319.4); c.87152G>A, p.Arg29051Gln (NM_133378.4); c.68036G>A, p.Arg22679Gln (NM_133432.3); c.68237G>A, p.Arg22746Gln (NM_133437.4); short protein forms R29978Q, R31619Q, R22746Q, R29051Q, R22554Q, R22679Q.
Identifiers: ClinVar variation 203009 (VCV000203009.2), dbSNP rs527976757, ClinGen allele CA310965.

ClinVar aggregate classification (germline): Uncertain significance (1 of 4 stars; one submission).

Allele frequency attached by ClinVar (database versions not stated): gnomAD exomes below 0.00001; ExAC 0.00001; gnomAD 0.00001 and 0.00002; TOPMed 0.00002; 1000 Genomes Project 30x 0.00016; 1000 Genomes Project 0.00020.
gnomAD v4.1: 13 of 1,612,716 alleles (0.00081%); highest among the groups gnomAD compares: African/African-American, 0.0027%; no homozygotes.

Submission:

GeneDx
Classification: Uncertain significance. Last evaluated: 2014-07-03. Review status: criteria provided, single submitter. Criteria: GeneDx Variant Classification (06012015). Collection method: clinical testing. Allele origin: germline. Affected: yes.
Comment: Missense variants in the TTN gene are considered 'unclassified' if they are not previously reported in the literature and do not have >1% frequency in the population to be considered a polymorphism. Research indicates that truncating mutations in the TTN gene are expected to account for approximately 25% of familial and 18% of sporadic idiopathic DCM; however, truncating variants in the TTN gene have been reported in approximately 3% of reported control alleles. There has been little investigation into non-truncating variants. (Herman D et al. Truncations of titin causing dilated cardiomyopathy. N Eng J Med 366:619-628, 2012) The variant is found in CARDIOMYOPATHY panel(s).